The following is an entry in ClinVar:

NM_019023.5(PRMT7):c.1555G>A (p.Ala519Thr)

Gene: PRMT7 (protein arginine methyltransferase 7; plus strand). Cytogenetic location: 16q22.1.
Variant type: single nucleotide variant.
Coding change: c.1555G>A on transcript NM_019023.5 (MANE Select); coding-DNA position 1555, G replaced by A.
Protein change: p.Ala519Thr; replaces alanine 519 with threonine.
Molecular consequence: missense variant. On other transcripts: non-coding transcript variant (12), intron variant (1).
Genome position (GRCh38, 1-based): chr16:68,352,389, G>A. VCF-style: chr16-68352389-G-A. GRCh37 (hg19) VCF-style: chr16-68386292-G-A.
Other names: c.1405G>A, p.Ala469Thr (NM_001184824.4); c.1555G>A, p.Ala519Thr (NM_001290018.2, NM_001351143.3, NM_001378018.1); c.1348G>A, p.Ala450Thr (NM_001378020.1); c.1318G>A, p.Ala440Thr (NM_001378021.1, NM_001378022.1, NM_001378023.1); c.1481+74G>A (NM_001351144.3); short protein forms A450T, A469T, A519T, A440T.
Identifiers: ClinVar variation 1919659 (VCV001919659.6), dbSNP rs537782188, ClinGen allele CA8127505.
Genomic context (GRCh38, chr16:68,352,389, plus strand): 5'-GCTGTGGACCAGCACCTGGGGCCAGGTGCCATGGTGATGCCCCAGGCAGCCTCGCTGCAC[G>A]CTGTGGTTGTGGAGTTCAGGGTAGGCCACCCAGGGGATGTTGGAGAAAAAAGCAGAGGAG-3'
Protein context (NP_061896.1, residues 509-529): MVMPQAASLH[Ala519Thr]VVVEFRDLWR

ClinVar aggregate classification (germline): Uncertain significance. Review status: criteria provided, multiple submitters, no conflicts (2 of 4 stars). 2 submissions from 2 submitters: Uncertain significance (2). Last evaluated 2022-06-24.

Conditions:
Inborn genetic diseases. Identifiers: MedGen C0950123, MeSH D030342.

Allele frequency attached by ClinVar (database versions not stated): gnomAD exomes 0.00003; ExAC 0.00007.
gnomAD v4.1: 54 of 1,606,030 alleles (0.0034%); highest among the groups gnomAD compares: South Asian, 0.046%; no homozygotes.

Submissions (2):

Labcorp Genetics (formerly Invitae), Labcorp
Classification: Uncertain significance. Last evaluated: 2022-06-24. Review status: criteria provided, single submitter. Criteria: Invitae Variant Classification Sherloc (09022015). Collection method: clinical testing. Allele origin: germline.
Comment: This sequence change replaces alanine, which is neutral and non-polar, with threonine, which is neutral and polar, at codon 519 of the PRMT7 protein (p.Ala519Thr). This variant is present in population databases (rs537782188, gnomAD 0.05%). This variant has not been reported in the literature in individuals affected with PRMT7-related conditions. Algorithms developed to predict the effect of missense changes on protein structure and function (SIFT, PolyPhen-2, Align-GVGD) all suggest that this variant is likely to be tolerated. In summary, the available evidence is currently insufficient to determine the role of this variant in disease. Therefore, it has been classified as a Variant of Uncertain Significance.

Ambry Genetics
Classification: Uncertain significance for Inborn genetic diseases. Last evaluated: 2021-10-12. Review status: criteria provided, single submitter. Criteria: Ambry Variant Classification Scheme 2023. Collection method: clinical testing. Allele origin: germline.